The following is an entry in ClinVar:

NM_004304.5(ALK):c.2659A>C (p.Thr887Pro)

Gene: ALK (ALK receptor tyrosine kinase; minus strand). Cytogenetic location: 2p23.2.
Variant type: single nucleotide variant.
Coding change: c.2659A>C on transcript NM_004304.5 (MANE Select); coding-DNA position 2659, A replaced by C.
Protein change: p.Thr887Pro; replaces threonine 887 with proline.
Molecular consequence: missense variant.
Genome position (GRCh38, 1-based): chr2:29,229,040, T>G on the plus strand (A>C on the coding strand, the complement: ALK is on the minus strand). VCF-style: chr2-29229040-T-G. GRCh37 (hg19) VCF-style: chr2-29451906-T-G.
Other names: short protein forms T887P.
Identifiers: ClinVar variation 4273259 (VCV004273259.1).

ClinVar aggregate classification (germline): Uncertain significance (1 of 4 stars; one submission).

Conditions:
Hereditary cancer-predisposing syndrome. Also called: Hereditary Cancer Syndrome; Hereditary neoplastic syndrome; Neoplastic Syndromes, Hereditary; Tumor predisposition. Identifiers: Orphanet 140162, MedGen C0027672, MeSH D009386, MONDO:0015356.

Submission:

Ambry Genetics
Classification: Uncertain significance for Hereditary cancer-predisposing syndrome. Last evaluated: 2025-09-07. Review status: criteria provided, single submitter. Criteria: Ambry Variant Classification Scheme 2023. Collection method: clinical testing. Allele origin: germline.
Comment: The p.T887P variant (also known as c.2659A>C), located in coding exon 16 of the ALK gene, results from an A to C substitution at nucleotide position 2659. The threonine at codon 887 is replaced by proline, an amino acid with highly similar properties. This amino acid position is conserved. In addition, the in silico prediction for this alteration is inconclusive. Based on the available evidence, the clinical significance of this variant remains unclear.